The following is an entry in ClinVar:

ClinVar aggregate classification (germline): Likely benign. Review status: criteria provided, multiple submitters, no conflicts (2 of 4 stars). 4 submissions from 4 submitters: Likely benign (4). Last evaluated 2025-10-13.

Conditions:
Cardiac arrhythmia. Also called: Arrhythmia; Cardiac rhythm disease. Identifiers: MedGen C0003811, MONDO:0007263, HP:0011675.
Long QT syndrome (LQTS). Identifiers: MedGen C0023976, MeSH D008133, MONDO:0002442. Disease mechanism: loss of function. Inheritance: Various modes of inheritance.

Allele frequency attached by ClinVar (database versions not stated): gnomAD 0.00001 and 0.00002; 1000 Genomes Project 30x 0.00016; 1000 Genomes Project 0.00020; gnomAD exomes below 0.00001; ExAC 0.00001.
gnomAD v4.1: 6 of 1,614,214 alleles (0.00037%); highest among the groups gnomAD compares: East Asian, 0.0067%; no homozygotes.

Submissions (4):

Labcorp Genetics (formerly Invitae), Labcorp
Classification: Likely benign for Long QT syndrome. Last evaluated: 2025-10-13. Review status: criteria provided, single submitter. Criteria: Invitae Variant Classification Sherloc (09022015). Collection method: clinical testing. Allele origin: germline.

CeGaT Center for Human Genetics Tuebingen
Classification: Likely benign. Last evaluated: 2025-10-01. Review status: criteria provided, single submitter. Criteria: CeGaT Center For Human Genetics Tuebingen Variant Classification Criteria Version 2. Collection method: clinical testing. Allele origin: germline. Affected: yes. Observed: 1 variant allele.
Comment: KCNQ1: BP4, BP7

All of Us Research Program, National Institutes of Health
Classification: Likely benign for Long QT syndrome. Last evaluated: 2023-04-03. Review status: criteria provided, single submitter. Criteria: ACMG Guidelines, 2015. Collection method: clinical testing. Allele origin: germline. Inheritance: Autosomal dominant inheritance. Observed: 1 variant allele, 1 heterozygote.
Comment: This study involves interpretation of variants in research participants for the purpose of population health screening. Participant phenotype was not available at the time of variant classification. Additional details can be found in publication PMID: 35346344, PMCID: PMC8962531

Color Diagnostics, LLC DBA Color Health
Classification: Likely benign for Cardiac arrhythmia. Last evaluated: 2021-01-25. Review status: criteria provided, single submitter. Criteria: ACMG Guidelines, 2015. Collection method: clinical testing. Allele origin: germline.

NM_000218.3(KCNQ1):c.1425C>T (p.Ser475=)

Genes: KCNQ1 (potassium voltage-gated channel subfamily Q member 1; plus strand), KCNQ1OT1 (KCNQ1 opposite strand/antisense transcript 1; minus strand). Cytogenetic location: 11p15.5.
Variant type: single nucleotide variant.
Coding change: c.1425C>T on transcript NM_000218.3 (MANE Select); coding-DNA position 1425, C replaced by T.
Protein change: p.Ser475=; no amino-acid change (serine 475 retained).
Molecular consequence: synonymous variant.
Genome position (GRCh38, 1-based): chr11:2,661,992, C>T. VCF-style: chr11-2661992-C-T. GRCh37 (hg19) VCF-style: chr11-2683222-C-T.
Other names: c.1329C>T, p.Ser443= (NM_001406836.1); c.1155C>T, p.Ser385= (NM_001406837.1); c.885C>T, p.Ser295= (NM_001406838.1); c.1044C>T, p.Ser348= (NM_181798.2).
Identifiers: ClinVar variation 456857 (VCV000456857.20), dbSNP rs562579708, ClinGen allele CA029890.